The following is an entry in ClinVar:

ClinVar aggregate classification (germline): Uncertain significance. Review status: criteria provided, multiple submitters, no conflicts (2 of 4 stars). 3 submissions from 3 submitters: Uncertain significance (2). 1 of the submissions does not count toward it. Last evaluated 2025-04-21.

Conditions:
DNMT3A-related disorder. Also called: DNMT3A-related condition; DNMT3A-related disorders.
Tatton-Brown-Rahman overgrowth syndrome. Also called: Tall stature-intellectual disability-facial dysmorphism syndrome; Tatton-Brown-Rahman syndrome. Identifiers: Orphanet 404443, MedGen C4014545, MONDO:0014382, OMIM 615879.

Allele frequency attached by ClinVar (database versions not stated): gnomAD 0.00001; ExAC 0.00003; TOPMed 0.00003; ESP Exome Variant Server 0.00008.
gnomAD v4.1: 23 of 1,611,636 alleles (0.0014%); highest among the groups gnomAD compares: Middle Eastern, 0.016%; no homozygotes.

Submissions (3):

Labcorp Genetics (formerly Invitae), Labcorp
Classification: Uncertain significance for Tatton-Brown-Rahman overgrowth syndrome. Last evaluated: 2025-04-21. Review status: criteria provided, single submitter. Criteria: Invitae Variant Classification Sherloc (09022015). Collection method: clinical testing. Allele origin: germline.
Comment: This sequence change replaces arginine, which is basic and polar, with histidine, which is basic and polar, at codon 38 of the DNMT3A protein (p.Arg38His). This variant is present in population databases (rs369618387, gnomAD 0.02%). This variant has not been reported in the literature in individuals affected with DNMT3A-related conditions. ClinVar contains an entry for this variant (Variation ID: 1341936). Invitae Evidence Modeling of protein sequence and biophysical properties (such as structural, functional, and spatial information, amino acid conservation, physicochemical variation, residue mobility, and thermodynamic stability) indicates that this missense variant is not expected to disrupt DNMT3A protein function with a negative predictive value of 95%. In summary, the available evidence is currently insufficient to determine the role of this variant in disease. Therefore, it has been classified as a Variant of Uncertain Significance.

New York Genome Center
Classification: Uncertain significance for Tatton-Brown-Rahman overgrowth syndrome. Last evaluated: 2020-06-18. Review status: criteria provided, single submitter. Criteria: NYGC Assertion Criteria 2020. Collection method: clinical testing. Allele origin: germline. Observed: 1 heterozygote. Study: CSER-NYCKidSeq.

PreventionGenetics, part of Exact Sciences
Classification: Uncertain significance for DNMT3A-related condition. Last evaluated: 2024-05-01. Review status: no assertion criteria provided. Collection method: clinical testing. Allele origin: germline. Not counted in ClinVar's aggregate classification.
Comment: The DNMT3A c.113G>A variant is predicted to result in the amino acid substitution p.Arg38His. To our knowledge, this variant has not been reported in the literature. This variant is reported in 0.017% of alleles in individuals of Latino descent in gnomAD. At this time, the clinical significance of this variant is uncertain due to the absence of conclusive functional and genetic evidence.

NM_022552.5(DNMT3A):c.113G>A (p.Arg38His)

Gene: DNMT3A (DNA methyltransferase 3 alpha; minus strand). Cytogenetic location: 2p23.3.
Variant type: single nucleotide variant.
Coding change: c.113G>A on transcript NM_022552.5 (MANE Select); coding-DNA position 113, G replaced by A.
Protein change: p.Arg38His; replaces arginine 38 with histidine.
Molecular consequence: missense variant. On other transcripts: non-coding transcript variant (1).
Genome position (GRCh38, 1-based): chr2:25,300,203, C>T on the plus strand (G>A on the coding strand, the complement: DNMT3A is on the minus strand). VCF-style: chr2-25300203-C-T. GRCh37 (hg19) VCF-style: chr2-25523072-C-T.
Other names: c.113G>A, p.Arg38His (NM_175629.2, NM_175630.1, NM_001320892.2); short protein forms R38H.
Identifiers: ClinVar variation 1341936 (VCV001341936.8), dbSNP rs369618387, ClinGen allele CA1556548.